The following is an entry in ClinVar:

ClinVar aggregate classification (germline): Pathogenic (1 of 4 stars; one submission).

Conditions:
Glycogen storage disease, type VII (GSD7). Also called: PFKM DEFICIENCY; TARUI DISEASE; GSD VII; MUSCLE PHOSPHOFRUCTOKINASE DEFICIENCY. Identifiers: Orphanet 371, MedGen C0017926, MONDO:0009295, OMIM 232800.

Submission:

Myriad Genetics, Inc.
Classification: Pathogenic for Glycogen storage disease, type VII. Last evaluated: 2026-06-30. Review status: criteria provided, single submitter. Criteria: Myriad Autosomal Dominant, Autosomal Recessive and X-Linked Classification Criteria (2023). Collection method: clinical testing. Allele origin: unknown.
Comment: NM_001166686.1(PFKM):c.856delC(L286Wfs*107) is expected to be pathogenic in the context of glycogen storage disease, PFKM-related. This variant is predicted to lead to an abnormal or absent protein product due to the creation of a premature termination codon in PFKM, a gene where loss-of-function variants are known to be pathogenic. Please note: this variant was assessed in the context of healthy population screening.

NM_000289.6(PFKM):c.643del (p.Leu215fs)

Gene: PFKM (phosphofructokinase, muscle; plus strand). Cytogenetic location: 12q13.11.
Variant type: Deletion.
Coding change: c.643del on transcript NM_000289.6 (MANE Select); coding-DNA position 643, one base deleted (C; older notation c.643delC).
Protein change: p.Leu215fs; shifts the reading frame from leucine 215.
Molecular consequence: frameshift variant. On other transcripts: non-coding transcript variant (6).
Genome position (GRCh38, 1-based): chr12:48,134,725, C deleted; the last of 2 consecutive C bases (chr12:48,134,724-48,134,725); deleting either gives the same sequence. VCF-style (leftmost placement, unchanged base first): chr12-48134723-AC-A. GRCh37 (hg19) VCF-style: chr12-48528506-AC-A.
Other names: c.856del, p.Leu286fs (NM_001166686.2, NM_001354737.1, NM_001354738.1 and 2 more transcripts); c.643del, p.Leu215fs (NM_001166687.2, NM_001166688.2, NM_001354742.2 and 4 more transcripts); c.952del, p.Leu318fs (NM_001354735.1, NM_001354736.1); c.787del, p.Leu263fs (NM_001354740.1); c.667del, p.Leu223fs (NM_001354741.2); c.556del, p.Leu186fs (NM_001354745.2); c.493del, p.Leu165fs (NM_001354747.2, NM_001354748.2); short protein forms L165fs, L186fs, L215fs, L223fs, L263fs, L286fs, L318fs.
Identifiers: ClinVar variation 5016097 (VCV005016097.1).
Genomic context (GRCh38, chr12:48,134,723, plus strand): 5'-GGGTGAGGCTATTTGTAGAGTACAACTTCTAGCAGGATGCTTCTGACTCTCATCTCAGAT[AC>A]CTGGCCCTTGTCACCTCTCTGTCCTGTGGGGCCGACTGGGTTTTTATTCCTGAATGTCCA-3'